The following is an entry in ClinVar:

ClinVar aggregate classification (germline): Uncertain significance (1 of 4 stars; one submission).

gnomAD v4.1: 2 of 1,614,080 alleles (0.00012%); highest among the groups gnomAD compares: Admixed American, 0.0017%; no homozygotes.

Submission:

Quest Diagnostics Nichols Institute San Juan Capistrano
Classification: Uncertain significance. Last evaluated: 2025-04-08. Review status: criteria provided, single submitter. Criteria: Quest Diagnostics criteria. Collection method: clinical testing. Allele origin: unknown.
Comment: The FANCA c.374G>A (p.Cys125Tyr) variant has not been reported in individuals with FANCA-related conditions in the published literature. The frequency of this variant in the general population (Genome Aggregation Database) is uninformative in the assessment of its pathogenicity. Analysis of this variant using bioinformatics tools for the prediction of the effect of amino acid changes on protein structure and function yielded conflicting predictions that this variant is benign or damaging. Based on the available information, we are unable to determine the clinical significance of this variant.

NM_000135.4(FANCA):c.374G>A (p.Cys125Tyr)

Gene: FANCA (FA complementation group A; minus strand). Cytogenetic location: 16q24.3.
Variant type: single nucleotide variant.
Coding change: c.374G>A on transcript NM_000135.4 (MANE Select); coding-DNA position 374, G replaced by A.
Protein change: p.Cys125Tyr; replaces cysteine 125 with tyrosine.
Molecular consequence: missense variant.
Genome position (GRCh38, 1-based): chr16:89,810,981, C>T on the plus strand (G>A on the coding strand, the complement: FANCA is on the minus strand). VCF-style: chr16-89810981-C-T. GRCh37 (hg19) VCF-style: chr16-89877389-C-T.
Other names: c.374G>A, p.Cys125Tyr (NM_001018112.3, NM_001286167.3, NM_001351830.2); short protein forms C125Y.
Identifiers: ClinVar variation 4532875 (VCV004532875.1).